The following is an entry in ClinVar:

NM_001105206.3(LAMA4):c.1394A>G (p.Asn465Ser)

Gene: LAMA4 (laminin subunit alpha 4; minus strand). Cytogenetic location: 6q21.
Variant type: single nucleotide variant.
Coding change: c.1394A>G on transcript NM_001105206.3 (MANE Select); coding-DNA position 1394, A replaced by G.
Protein change: p.Asn465Ser; replaces asparagine 465 with serine.
Molecular consequence: missense variant.
Genome position (GRCh38, 1-based): chr6:112,172,768, T>C on the plus strand (A>G on the coding strand, the complement: LAMA4 is on the minus strand). VCF-style: chr6-112172768-T-C. GRCh37 (hg19) VCF-style: chr6-112493970-T-C.
Other names: c.1373A>G, p.Asn458Ser (NM_001105207.3, NM_002290.5); short protein forms N458S, N465S.
Identifiers: ClinVar variation 1443586 (VCV001443586.11), dbSNP rs1315842790, ClinGen allele CA365370955.

ClinVar aggregate classification (germline): Uncertain significance. Review status: criteria provided, multiple submitters, no conflicts (2 of 4 stars). 3 submissions from 3 submitters: Uncertain significance (3). Last evaluated 2025-04-21.

Conditions:
Dilated cardiomyopathy 1JJ (CMD1JJ). Identifiers: Orphanet 154, MedGen C3808935, MONDO:0014095, OMIM 615235.
Cardiovascular phenotype. Identifiers: MedGen CN230736.

Allele frequency attached by ClinVar (database versions not stated): gnomAD 0.00001; gnomAD exomes 0.00001; TOPMed 0.00001.
gnomAD v4.1: 7 of 1,613,934 alleles (0.00043%); highest among the groups gnomAD compares: Non-Finnish European, 0.00059%; no homozygotes.

Submissions (3):

GeneDx
Classification: Uncertain significance. Last evaluated: 2025-04-21. Review status: criteria provided, single submitter. Criteria: GeneDx Variant Classification Process June 2021. Collection method: clinical testing. Allele origin: germline. Affected: yes.
Comment: Not observed at significant frequency in large population cohorts (gnomAD); In silico analysis indicates that this missense variant does not alter protein structure/function; Has not been previously published as pathogenic or benign to our knowledge

Ambry Genetics
Classification: Uncertain significance for Cardiovascular phenotype. Last evaluated: 2024-02-23. Review status: criteria provided, single submitter. Criteria: Ambry Variant Classification Scheme 2023. Collection method: clinical testing. Allele origin: germline.
Comment: The p.N458S variant (also known as c.1373A>G), located in coding exon 11 of the LAMA4 gene, results from an A to G substitution at nucleotide position 1373. The asparagine at codon 458 is replaced by serine, an amino acid with highly similar properties. This amino acid position is conserved. In addition, this alteration is predicted to be tolerated by in silico analysis. Since supporting evidence is limited at this time, the clinical significance of this alteration remains unclear.

Labcorp Genetics (formerly Invitae), Labcorp
Classification: Uncertain significance for Dilated cardiomyopathy 1JJ. Last evaluated: 2021-08-15. Review status: criteria provided, single submitter. Criteria: Invitae Variant Classification Sherloc (09022015). Collection method: clinical testing. Allele origin: germline.
Comment: In summary, the available evidence is currently insufficient to determine the role of this variant in disease. Therefore, it has been classified as a Variant of Uncertain Significance. This sequence change replaces asparagine with serine at codon 458 of the LAMA4 protein (p.Asn458Ser). The asparagine residue is highly conserved and there is a small physicochemical difference between asparagine and serine. This variant is not present in population databases (ExAC no frequency). This variant has not been reported in the literature in individuals with LAMA4-related conditions. Algorithms developed to predict the effect of missense changes on protein structure and function are either unavailable or do not agree on the potential impact of this missense change (SIFT: "Tolerated"; PolyPhen-2: "Possibly Damaging"; Align-GVGD: "Class C0"). Algorithms developed to predict the effect of sequence changes on RNA splicing suggest that this variant may create or strengthen a splice site, but this prediction has not been confirmed by published transcriptional studies.